The following is an entry in ClinVar:

ClinVar aggregate classification (germline): Uncertain significance (1 of 4 stars; one submission).

Submission:

GeneDx
Classification: Uncertain significance. Last evaluated: 2024-09-22. Review status: criteria provided, single submitter. Criteria: GeneDx Variant Classification Process June 2021. Collection method: clinical testing. Allele origin: germline. Affected: yes.
Comment: Not observed at significant frequency in large population cohorts (gnomAD); In silico analysis supports that this missense variant has a deleterious effect on protein structure/function; Has not been previously published as pathogenic or benign to our knowledge

NM_000110.4(DPYD):c.1031C>T (p.Ala344Val)

Gene: DPYD (dihydropyrimidine dehydrogenase; minus strand). Cytogenetic location: 1p21.3.
Variant type: single nucleotide variant.
Coding change: c.1031C>T on transcript NM_000110.4 (MANE Select); coding-DNA position 1031, C replaced by T.
Protein change: p.Ala344Val; replaces alanine 344 with valine.
Molecular consequence: missense variant.
Genome position (GRCh38, 1-based): chr1:97,593,315, G>A on the plus strand (C>T on the coding strand, the complement: DPYD is on the minus strand). VCF-style: chr1-97593315-G-A. GRCh37 (hg19) VCF-style: chr1-98058871-G-A.
Other names: short protein forms A344V.
Identifiers: ClinVar variation 3774071 (VCV003774071.1).